The following is an entry in ClinVar:

NM_000810.4(GABRA5):c.636G>A (p.Ser212=)

Gene: GABRA5 (gamma-aminobutyric acid type A receptor subunit alpha5; plus strand). Cytogenetic location: 15q12.
Variant type: single nucleotide variant.
Coding change: c.636G>A on transcript NM_000810.4 (MANE Select); coding-DNA position 636, G replaced by A.
Protein change: p.Ser212=; no amino-acid change (serine 212 retained).
Molecular consequence: synonymous variant.
Genome position (GRCh38, 1-based): chr15:26,937,240, G>A. VCF-style: chr15-26937240-G-A. GRCh37 (hg19) VCF-style: chr15-27182387-G-A.
Other names: c.636G>A, p.Ser212= (NM_001165037.2).
Identifiers: ClinVar variation 4977173 (VCV004977173.1).

ClinVar aggregate classification (germline): Likely benign (1 of 4 stars; one submission).

Conditions:
GABRA5-related disorder. Also called: GABRA5-related condition.

gnomAD v4.1: 38 of 1,613,574 alleles (0.0024%); highest among the groups gnomAD compares: South Asian, 0.0044%; no homozygotes.

Submission:

PreventionGenetics, part of Exact Sciences
Classification: Likely benign for GABRA5-related condition. Last evaluated: 2025-09-02. Review status: criteria provided, single submitter. Criteria: ACMG Guidelines, 2015. Collection method: clinical testing. Allele origin: germline.
Comment: This variant is classified as likely benign based on ACMG/AMP sequence variant interpretation guidelines (Richards et al. 2015 PMID: 25741868, with internal and published modifications).